The following is an entry in ClinVar:

ClinVar aggregate classification (germline): Pathogenic (1 of 4 stars; one submission).

Conditions:
Autosomal dominant epilepsy with auditory features. Identifiers: Orphanet 101046, MedGen C1838062, MONDO:0010898.

Submission:

Labcorp Genetics (formerly Invitae), Labcorp
Classification: Pathogenic for Autosomal dominant epilepsy with auditory features. Last evaluated: 2022-08-31. Review status: criteria provided, single submitter. Criteria: Invitae Variant Classification Sherloc (09022015). Collection method: clinical testing. Allele origin: germline.
Comment: This variant has not been reported in the literature in individuals affected with LGI1-related conditions. This variant is not present in population databases (gnomAD no frequency). This sequence change creates a premature translational stop signal (p.Gln466*) in the LGI1 gene. While this is not anticipated to result in nonsense mediated decay, it is expected to disrupt the last 92 amino acid(s) of the LGI1 protein. This variant disrupts a region of the LGI1 protein in which other variant(s) (p.His527Argfs*4) have been determined to be pathogenic (Invitae). This suggests that this is a clinically significant region of the protein, and that variants that disrupt it are likely to be disease-causing. For these reasons, this variant has been classified as Pathogenic.

NM_005097.4(LGI1):c.1396C>T (p.Gln466Ter)

Gene: LGI1 (leucine rich glioma inactivated 1; plus strand). Cytogenetic location: 10q23.33.
Variant type: single nucleotide variant.
Coding change: c.1396C>T on transcript NM_005097.4 (MANE Select); coding-DNA position 1396, C replaced by T.
Protein change: p.Gln466Ter; replaces glutamine 466 with a stop codon.
Molecular consequence: nonsense. On other transcripts: non-coding transcript variant (1), intron variant (1).
Genome position (GRCh38, 1-based): chr10:93,797,525, C>T. VCF-style: chr10-93797525-C-T. GRCh37 (hg19) VCF-style: chr10-95557282-C-T.
Other names: c.1252C>T, p.Gln418Ter (NM_001308276.2); c.839-224C>T (NM_001308275.2); short protein forms Q466*, Q418*.
Identifiers: ClinVar variation 2000198 (VCV002000198.4), dbSNP rs2492919720, ClinGen allele CA377629496.
Genomic context (GRCh38, chr10:93,797,525, plus strand): 5'-ATTTGCTTGACAAGATTCATTGGTGATTCCAAAGTCATGAAATGGGGAGGCTCCTCGTTC[C>T]AGGATATTCAGAGGATGCCATCGCGAGGATCCATGGTGTTCCAGCCTCTTCAAATAAATA-3'